The following is an entry in ClinVar:

NM_000350.3(ABCA4):c.5457C>G (p.Asn1819Lys)

Gene: ABCA4 (ATP binding cassette subfamily A member 4; minus strand). Cytogenetic location: 1p22.1.
Variant type: single nucleotide variant.
Coding change: c.5457C>G on transcript NM_000350.3 (MANE Select); coding-DNA position 5457, C replaced by G.
Protein change: p.Asn1819Lys; replaces asparagine 1819 with lysine.
Molecular consequence: missense variant.
Genome position (GRCh38, 1-based): chr1:94,014,546, G>C on the plus strand (C>G on the coding strand, the complement: ABCA4 is on the minus strand). VCF-style: chr1-94014546-G-C. GRCh37 (hg19) VCF-style: chr1-94480102-G-C.
Other names: c.5235C>G, p.Asn1745Lys (NM_001425324.1); short protein forms N1819K, N1745K.
Identifiers: ClinVar variation 1307757 (VCV001307757.2), dbSNP rs1181315221, ClinGen allele CA341281223.
Genomic context (GRCh38, chr1:94,014,546, plus strand): 5'-AACACATACTCTACTATCCTACTAATCAAACAAAAAAGCCAAGAAAGTTATGCTCACCCG[G>C]TTATTCTCAAATAATTCCAAGATGAAGGTAATAGCACTGCTGTTGATGCCGATGAACAGA-3'
Protein context (NP_000341.2, residues 1809-1829): ITFILELFEN[Asn1819Lys]RTLLRFNAVL

ClinVar aggregate classification (germline): Uncertain significance (1 of 4 stars; one submission).

Submission:

GeneDx
Classification: Uncertain significance. Last evaluated: 2019-08-06. Review status: criteria provided, single submitter. Criteria: GeneDx Variant Classification Process June 2021. Collection method: clinical testing. Allele origin: germline. Affected: yes.
Comment: Not observed in large population cohorts (Lek et al., 2016); In silico analysis, which includes protein predictors and evolutionary conservation, supports that this variant does not alter protein structure/function; Has not been previously published as pathogenic or benign to our knowledge